The following is an entry in ClinVar:

NM_181458.4(PAX3):c.444G>T (p.Val148=)

Gene: PAX3 (paired box 3; minus strand). Cytogenetic location: 2q36.1.
Variant type: single nucleotide variant.
Coding change: c.444G>T on transcript NM_181458.4 (MANE Select); coding-DNA position 444, G replaced by T.
Protein change: p.Val148=; no amino-acid change (valine 148 retained).
Molecular consequence: synonymous variant.
Genome position (GRCh38, 1-based): chr2:222,295,535, C>A on the plus strand (G>T on the coding strand, the complement: PAX3 is on the minus strand). VCF-style: chr2-222295535-C-A. GRCh37 (hg19) VCF-style: chr2-223160254-C-A.
Other names: c.444G>T, p.Val148= (NM_000438.6, NM_013942.5, NM_181457.4 and 3 more transcripts); c.441G>T, p.Val147= (NM_001127366.3).
Identifiers: ClinVar variation 3031519 (VCV003031519.2), dbSNP rs199996447, ClinGen allele CA2135748.

ClinVar aggregate classification (germline): Likely benign (0 of 4 stars; one submission).

Conditions:
PAX3-related disorder. Also called: PAX3-related condition.

Allele frequency attached by ClinVar (database versions not stated): TOPMed 0.00001; gnomAD 0.00003; gnomAD exomes 0.00003; ExAC 0.00007; 1000 Genomes Project 0.00020; 1000 Genomes Project 30x 0.00031.
gnomAD v4.1: 40 of 1,614,234 alleles (0.0025%); highest among the groups gnomAD compares: East Asian, 0.033%; no homozygotes.

Submission:

PreventionGenetics, part of Exact Sciences
Classification: Likely benign for PAX3-related condition. Last evaluated: 2021-04-26. Review status: no assertion criteria provided. Collection method: clinical testing. Allele origin: germline.
Comment: This variant is classified as likely benign based on ACMG/AMP sequence variant interpretation guidelines (Richards et al. 2015 PMID: 25741868, with internal and published modifications).